The following is an entry in ClinVar:

ClinVar aggregate classification (germline): Uncertain significance (1 of 4 stars; one submission).

Conditions:
MYLK2-related disorder. Also called: MYLK2-related condition.

gnomAD v4.1: 1 of 1,614,026 alleles (0.000062%); highest among the groups gnomAD compares: Non-Finnish European, 0.000085%; no homozygotes.

Submission:

PreventionGenetics, part of Exact Sciences
Classification: Uncertain significance for MYLK2-related condition. Last evaluated: 2026-02-03. Review status: criteria provided, single submitter. Criteria: ACMG Guidelines, 2015. Collection method: clinical testing. Allele origin: germline.
Comment: The MYLK2 c.1027A>G variant is predicted to result in the amino acid substitution p.Ile343Val. To our knowledge, this variant has not been reported in the literature or in a large population database (gnomAD), indicating this variant is rare. At this time, the clinical significance of this variant is uncertain due to the absence of conclusive functional and genetic evidence.

NM_033118.4(MYLK2):c.1027A>G (p.Ile343Val)

Gene: MYLK2 (myosin light chain kinase 2; plus strand). Cytogenetic location: 20q11.21.
Variant type: single nucleotide variant.
Coding change: c.1027A>G on transcript NM_033118.4 (MANE Select); coding-DNA position 1027, A replaced by G.
Protein change: p.Ile343Val; replaces isoleucine 343 with valine.
Molecular consequence: missense variant.
Genome position (GRCh38, 1-based): chr20:31,826,659, A>G. VCF-style: chr20-31826659-A-G. GRCh37 (hg19) VCF-style: chr20-30414462-A-G.
Other names: short protein forms I343V.
Identifiers: ClinVar variation 4996038 (VCV004996038.1).